The following is an entry in ClinVar:

NM_001388492.1(HTT):c.6066A>G (p.Ala2022=)

Gene: HTT (huntingtin; plus strand). Cytogenetic location: 4p16.3.
Variant type: single nucleotide variant.
Coding change: c.6066A>G on transcript NM_001388492.1 (MANE Select); coding-DNA position 6066, A replaced by G.
Protein change: p.Ala2022=; no amino-acid change (alanine 2022 retained).
Molecular consequence: synonymous variant.
Genome position (GRCh38, 1-based): chr4:3,206,974, A>G. VCF-style: chr4-3206974-A-G. GRCh37 (hg19) VCF-style: chr4-3208701-A-G.
Other names: c.6072A>G, p.Ala2024= (NM_002111.8).
Identifiers: ClinVar variation 3031241 (VCV003031241.1), dbSNP rs2476248449, ClinGen allele CA438129022.

ClinVar aggregate classification (germline): Likely benign (1 of 4 stars; one submission).

Conditions:
HTT-related disorder. Also called: HTT-related condition.

Submission:

PreventionGenetics, part of Exact Sciences
Classification: Likely benign for HTT-related condition. Last evaluated: 2021-01-20. Review status: criteria provided, single submitter. Criteria: ACMG Guidelines, 2015. Collection method: clinical testing. Allele origin: germline.
Comment: This variant is classified as likely benign based on ACMG/AMP sequence variant interpretation guidelines (Richards et al. 2015 PMID: 25741868, with internal and published modifications).